The following is an entry in ClinVar:

NM_001374828.1(ARID1B):c.2224C>A (p.Gln742Lys)

Gene: ARID1B (AT-rich interaction domain 1B; plus strand). Cytogenetic location: 6q25.3.
Variant type: single nucleotide variant.
Coding change: c.2224C>A on transcript NM_001374828.1 (MANE Select); coding-DNA position 2224, C replaced by A.
Protein change: p.Gln742Lys; replaces glutamine 742 with lysine.
Molecular consequence: missense variant.
Genome position (GRCh38, 1-based): chr6:156,935,553, C>A. VCF-style: chr6-156935553-C-A. GRCh37 (hg19) VCF-style: chr6-157256687-C-A.
Other names: c.2014C>A (NM_020732.3); c.2263C>A, p.Gln755Lys (NM_001371656.1, NM_001374820.1); c.2224C>A, p.Gln742Lys (NM_017519.3); short protein forms Q742K, Q755K.
Identifiers: ClinVar variation 1703945 (VCV001703945.2), dbSNP rs1554270831, ClinGen allele CA366380519.

ClinVar aggregate classification (germline): Uncertain significance (1 of 4 stars; one submission).

Submission:

GeneDx
Classification: Uncertain significance. Last evaluated: 2022-03-04. Review status: criteria provided, single submitter. Criteria: GeneDx Variant Classification Process June 2021. Collection method: clinical testing. Allele origin: germline. Affected: yes.
Comment: Not observed at significant frequency in large population cohorts (gnomAD); In silico analysis supports that this missense variant has a deleterious effect on protein structure/function; Has not been previously published as pathogenic or benign to our knowledge